The following is an entry in ClinVar:

ClinVar aggregate classification (germline): Uncertain significance (1 of 4 stars; one submission).

Allele frequency attached by ClinVar (database versions not stated): ExAC 0.00002; gnomAD 0.00001; TOPMed 0.00001; gnomAD exomes below 0.00001.

Submission:

Labcorp Genetics (formerly Invitae), Labcorp
Classification: Uncertain significance. Last evaluated: 2025-07-09. Review status: criteria provided, single submitter. Criteria: Invitae Variant Classification Sherloc (09022015). Collection method: clinical testing. Allele origin: germline.
Comment: This sequence change replaces arginine, which is basic and polar, with cysteine, which is neutral and slightly polar, at codon 605 of the LRRC8A protein (p.Arg605Cys). This variant is present in population databases (rs763779931, gnomAD 0.003%). This variant has not been reported in the literature in individuals affected with LRRC8A-related conditions. ClinVar contains an entry for this variant (Variation ID: 3023257). An algorithm developed to predict the effect of missense changes on protein structure and function (PolyPhen-2) suggests that this variant is likely to be disruptive. In summary, the available evidence is currently insufficient to determine the role of this variant in disease. Therefore, it has been classified as a Variant of Uncertain Significance.

NM_019594.4(LRRC8A):c.1813C>T (p.Arg605Cys)

Gene: LRRC8A (leucine rich repeat containing 8 VRAC subunit A; plus strand). Cytogenetic location: 9q34.11.
Variant type: single nucleotide variant.
Coding change: c.1813C>T on transcript NM_019594.4 (MANE Select); coding-DNA position 1813, C replaced by T.
Protein change: p.Arg605Cys; replaces arginine 605 with cysteine.
Molecular consequence: missense variant.
Genome position (GRCh38, 1-based): chr9:128,908,977, C>T. VCF-style: chr9-128908977-C-T. GRCh37 (hg19) VCF-style: chr9-131671256-C-T.
Other names: c.1813C>T, p.Arg605Cys (NM_001127244.2, NM_001127245.2); short protein forms R605C.
Identifiers: ClinVar variation 3023257 (VCV003023257.3), dbSNP rs763779931, ClinGen allele CA5270953.